The following is an entry in ClinVar:

NM_001243133.2(NLRP3):c.2102T>C (p.Met701Thr)

Gene: NLRP3 (NLR family pyrin domain containing 3; plus strand). Cytogenetic location: 1q44.
Variant type: single nucleotide variant.
Coding change: c.2102T>C on transcript NM_001243133.2 (MANE Select); coding-DNA position 2102, T replaced by C.
Protein change: p.Met701Thr; replaces methionine 701 with threonine.
Molecular consequence: missense variant.
Genome position (GRCh38, 1-based): chr1:247,425,551, T>C. VCF-style: chr1-247425551-T-C. GRCh37 (hg19) VCF-style: chr1-247588853-T-C.
Other names: c.2102T>C, p.Met701Thr (NM_001079821.3, NM_001127461.3, NM_001127462.3 and 1 more transcripts); c.2108T>C, p.Met703Thr (NM_004895.5); short protein forms M703T, M701T.
Identifiers: ClinVar variation 97956 (VCV000097956.3), dbSNP rs180177497, ClinGen allele CA281302.

ClinVar aggregate classification (germline): Uncertain significance. Review status: criteria provided, single submitter (1 of 4 stars). 2 submissions from 2 submitters: Uncertain significance (1). 1 of the submissions does not count toward it. Last evaluated 2025-10-29.

Conditions:
Cryopyrin associated periodic syndrome (CAPS). Identifiers: Orphanet 208650, MedGen C2316212, MONDO:0016168.
Familial cold autoinflammatory syndrome 1 (FCAS1). Also called: Familial cold inflammatory syndrome 1; CRYOPYRIN-ASSOCIATED PERIODIC SYNDROME 1. Identifiers: Orphanet 47045, MedGen C4551895, MONDO:0007349, OMIM 120100.

Allele frequency attached by ClinVar (database versions not stated): gnomAD exomes below 0.00001.

Submissions (2):

Labcorp Genetics (formerly Invitae), Labcorp
Classification: Uncertain significance for Cryopyrin associated periodic syndrome. Last evaluated: 2025-10-29. Review status: criteria provided, single submitter. Criteria: Invitae Variant Classification Sherloc (09022015). Collection method: clinical testing. Allele origin: germline.
Comment: This sequence change replaces methionine, which is neutral and non-polar, with threonine, which is neutral and polar, at codon 703 of the NLRP3 protein (p.Met703Thr). The frequency data for this variant in the population databases is considered unreliable, as metrics indicate poor data quality at this position in the gnomAD database. This missense change has been observed in individual(s) with Muckle-Wells syndrome (PMID: 21109514, 26245507). This variant is also known as p.Met701Thr. ClinVar contains an entry for this variant (Variation ID: 97956). Invitae Evidence Modeling of protein sequence and biophysical properties (such as structural, functional, and spatial information, amino acid conservation, physicochemical variation, residue mobility, and thermodynamic stability) indicates that this missense variant is not expected to disrupt NLRP3 protein function with a negative predictive value of 95%. In summary, the available evidence is currently insufficient to determine the role of this variant in disease. Therefore, it has been classified as a Variant of Uncertain Significance.

Unité médicale des maladies autoinflammatoires, CHRU Montpellier
No classification provided. Condition: Familial cold urticaria. Review status: no classification provided. Collection method: not provided. Allele origin: unknown. Not counted in ClinVar's aggregate classification.
Comment: also involved in OMIM 191900 and 607115

Literature cited by the submitters: PubMed 21109514 (cited by Labcorp Genetics (formerly Invitae), Labcorp); PubMed 26245507 (cited by Labcorp Genetics (formerly Invitae), Labcorp).